The following is an entry in ClinVar:

ClinVar aggregate classification (germline): Uncertain significance (1 of 4 stars; one submission).

Conditions:
Autosomal dominant hypocalcemia 1 (HYPOC1). Also called: HYPOCALCEMIA, FAMILIAL. Identifiers: MedGen C3715128, MONDO:0011013, OMIM 601198.
Familial hypocalciuric hypercalcemia (FHH). Also called: Familial benign hypercalcemia. Identifiers: Orphanet 405, MedGen C1809471, MONDO:0018458.

Submission:

Labcorp Genetics (formerly Invitae), Labcorp
Classification: Uncertain significance for Familial hypocalciuric hypercalcemia; Autosomal dominant hypocalcemia 1. Last evaluated: 2023-07-29. Review status: criteria provided, single submitter. Criteria: Invitae Variant Classification Sherloc (09022015). Collection method: clinical testing. Allele origin: germline.
Comment: This sequence change replaces threonine, which is neutral and polar, with arginine, which is basic and polar, at codon 396 of the CASR protein (p.Thr396Arg). This variant is not present in population databases (gnomAD no frequency). This variant has not been reported in the literature in individuals affected with CASR-related conditions. ClinVar contains an entry for this variant (Variation ID: 653847). An algorithm developed to predict the effect of missense changes on protein structure and function (PolyPhen-2) suggests that this variant is likely to be disruptive. In summary, the available evidence is currently insufficient to determine the role of this variant in disease. Therefore, it has been classified as a Variant of Uncertain Significance.

NM_000388.4(CASR):c.1187C>G (p.Thr396Arg)

Gene: CASR (calcium sensing receptor; plus strand). Cytogenetic location: 3q21.1.
Variant type: single nucleotide variant.
Coding change: c.1187C>G on transcript NM_000388.4 (MANE Select); coding-DNA position 1187, C replaced by G.
Protein change: p.Thr396Arg; replaces threonine 396 with arginine.
Molecular consequence: missense variant.
Genome position (GRCh38, 1-based): chr3:122,262,222, C>G. VCF-style: chr3-122262222-C-G. GRCh37 (hg19) VCF-style: chr3-121981069-C-G.
Other names: c.1187C>G, p.Thr396Arg (NM_001178065.2); short protein forms T396R.
Identifiers: ClinVar variation 653847 (VCV000653847.9), dbSNP rs1576859271, ClinGen allele CA354152778.